The following is an entry in ClinVar:

NM_001077207.4(SEC31A):c.3196G>A (p.Val1066Ile)

Gene: SEC31A (SEC31 homolog A, COPII component; minus strand). Cytogenetic location: 4q21.22.
Variant type: single nucleotide variant.
Coding change: c.3196G>A on transcript NM_001077207.4 (MANE Select); coding-DNA position 3196, G replaced by A.
Protein change: p.Val1066Ile; replaces valine 1066 with isoleucine.
Molecular consequence: missense variant.
Genome position (GRCh38, 1-based): chr4:82,827,464, C>T on the plus strand (G>A on the coding strand, the complement: SEC31A is on the minus strand). VCF-style: chr4-82827464-C-T. GRCh37 (hg19) VCF-style: chr4-83748617-C-T.
Other names: c.2854G>A, p.Val952Ile (NM_001077206.4, NM_001400217.1, NM_001400219.1 and 1 more transcripts); c.3151G>A, p.Val1051Ile (NM_001077208.4, NM_001318119.2, NM_001400190.1 and 3 more transcripts); c.3136G>A, p.Val1046Ile (NM_001191049.2, NM_001400212.1); c.2737G>A, p.Val913Ile (NM_001300744.3, NM_001400223.1); c.3034G>A, p.Val1012Ile (NM_001300745.3, NM_001400213.1); c.3196G>A, p.Val1066Ile (NM_001318120.2, NM_001400164.1, NM_001400165.1 and 2 more transcripts); c.3289G>A, p.Val1097Ile (NM_001400154.1, NM_001400155.1); c.3244G>A, p.Val1082Ile (NM_001400156.1); and 14 more; short protein forms V1012I, V1025I, V1027I, V1038I, V1040I, V1046I, V1051I, V1053I.
Identifiers: ClinVar variation 3025368 (VCV003025368.22), dbSNP rs149931236, ClinGen allele CA2986079.

ClinVar aggregate classification (germline): Likely benign (1 of 4 stars; one submission).

Allele frequency attached by ClinVar (database versions not stated): 1000 Genomes Project 0.00040; gnomAD exomes 0.00042; gnomAD 0.00058; 1000 Genomes Project 30x 0.00062; ESP Exome Variant Server 0.00062; ExAC 0.00067; TOPMed 0.00078.
gnomAD v4.1: 751 of 1,614,166 alleles (0.047%); highest among the groups gnomAD compares: Middle Eastern, 0.23%; 3 homozygotes.

Submission:

CeGaT Center for Human Genetics Tuebingen
Classification: Likely benign. Last evaluated: 2024-05-01. Review status: criteria provided, single submitter. Criteria: CeGaT Center For Human Genetics Tuebingen Variant Classification Criteria Version 2. Collection method: clinical testing. Allele origin: germline. Affected: yes. Observed: 2 variant alleles.
Comment: SEC31A: BP4